The following is an entry in ClinVar:

ClinVar aggregate classification (germline): Conflicting classifications of pathogenicity. Review status: criteria provided, conflicting classifications (1 of 4 stars). 10 submissions from 6 submitters: Uncertain significance (6); Likely benign (4). Last evaluated 2025-11-27.

Conditions:
GM1 gangliosidosis. Identifiers: Orphanet 354, MedGen C0085131, MONDO:0018149.
Mucopolysaccharidosis, MPS-IV-B (MPS4B). Also called: Mucopolysaccharidosis type IV B; Mucopolysaccharidosis type 4B; Mucopolysaccharidosis type IVB (Morquio); MPS IVB; MORQUIO SYNDROME B; Mucopolysaccharidosis Type IVB (Morquio B Disease). Identifiers: Orphanet 309310, Orphanet 582, MedGen C0086652, MONDO:0009660, OMIM 253010.
Infantile GM1 gangliosidosis. Also called: GM1-gangliosidosis, type I; Gangliosidosis, generalized GM1, infantile form; GLB1 deficiency; Gangliosidosis, Generalized GM1, Type 1; GM1 gangliosidosis type 1. Identifiers: Orphanet 354, Orphanet 79255, MedGen C0268271, MONDO:0009260, OMIM 230500.
GM1 gangliosidosis type 2. Also called: Gangliosidosis, Generalized GM1, Type 2; GANGLIOSIDOSIS, GENERALIZED GM1, JUVENILE TYPE; GANGLIOSIDOSIS, GENERALIZED GM1, TYPE II; GM1-GANGLIOSIDOSIS, TYPE II; Juvenile GM>1< gangliosidosis. Identifiers: Orphanet 354, Orphanet 79256, MedGen C0268272, MONDO:0009261, OMIM 230600.
GM1 gangliosidosis type 3. Also called: Gangliosidosis, Generalized GM1, Type 3; GANGLIOSIDOSIS, GENERALIZED GM1, ADULT TYPE; GANGLIOSIDOSIS, GENERALIZED GM1, CHRONIC TYPE; GANGLIOSIDOSIS, GENERALIZED GM1, TYPE III; GM1-GANGLIOSIDOSIS, TYPE III; Beta-galactosidase deficiency. Identifiers: Orphanet 79257, MedGen C0268273, MONDO:0009262, OMIM 230650.
GLB1-related disorder. Also called: GLB1-related disorders. Identifiers: MedGen CN377807.

Allele frequency attached by ClinVar (database versions not stated): ExAC 0.00003; gnomAD 0.00003; gnomAD exomes 0.00004 and 0.00005; TOPMed 0.00004.
gnomAD v4.1: 79 of 1,613,978 alleles (0.0049%); highest among the groups gnomAD compares: Middle Eastern, 0.15%; no homozygotes.

Submissions (10):

Labcorp Genetics (formerly Invitae), Labcorp
Classification: Likely benign for Mucopolysaccharidosis, MPS-IV-B; GM1 gangliosidosis. Last evaluated: 2025-11-27. Review status: criteria provided, single submitter. Criteria: Invitae Variant Classification Sherloc (09022015). Collection method: clinical testing. Allele origin: germline.

PreventionGenetics, part of Exact Sciences
Classification: Likely benign for GLB1-related condition. Last evaluated: 2025-11-25. Review status: criteria provided, single submitter. Criteria: ACMG Guidelines, 2015. Collection method: clinical testing. Allele origin: germline.
Comment: This variant is classified as likely benign based on ACMG/AMP sequence variant interpretation guidelines (Richards et al. 2015 PMID: 25741868, with internal and published modifications).

Blueprint Genetics
Classification: Likely benign. Last evaluated: 2024-11-25. Review status: criteria provided, single submitter. Criteria: ACMG Guidelines, 2015. Collection method: clinical testing. Allele origin: germline.

CeGaT Center for Human Genetics Tuebingen
Classification: Likely benign. Last evaluated: 2023-02-01. Review status: criteria provided, single submitter. Criteria: CeGaT Center For Human Genetics Tuebingen Variant Classification Criteria Version 2. Collection method: clinical testing. Allele origin: germline. Affected: yes. Observed: 1 variant allele.
Comment: GLB1: BP4, BP7

Genome-Nilou Lab
Classification: Uncertain significance for Infantile GM1 gangliosidosis. Last evaluated: 2021-07-14. Review status: criteria provided, single submitter. Criteria: ACMG Guidelines, 2015. Collection method: clinical testing. Allele origin: germline. Affected: no.

Genome-Nilou Lab
Classification: Uncertain significance for GM1 gangliosidosis type 2. Last evaluated: 2021-07-14. Review status: criteria provided, single submitter. Criteria: ACMG Guidelines, 2015. Collection method: clinical testing. Allele origin: germline. Affected: no.

Genome-Nilou Lab
Classification: Uncertain significance for GM1 gangliosidosis type 3. Last evaluated: 2021-07-14. Review status: criteria provided, single submitter. Criteria: ACMG Guidelines, 2015. Collection method: clinical testing. Allele origin: germline. Affected: no.

Genome-Nilou Lab
Classification: Uncertain significance for Mucopolysaccharidosis, MPS-IV-B. Last evaluated: 2021-07-14. Review status: criteria provided, single submitter. Criteria: ACMG Guidelines, 2015. Collection method: clinical testing. Allele origin: germline. Affected: no.

Illumina Laboratory Services, Illumina
Classification: Uncertain significance for GM1 gangliosidosis. Last evaluated: 2018-01-12. Review status: criteria provided, single submitter. Criteria: ICSL Variant Classification Criteria 13 December 2019. Collection method: clinical testing. Allele origin: germline.

Illumina Laboratory Services, Illumina
Classification: Uncertain significance for Mucopolysaccharidosis, MPS-IV-B. Last evaluated: 2018-01-12. Review status: criteria provided, single submitter. Criteria: ICSL Variant Classification Criteria 13 December 2019. Collection method: clinical testing. Allele origin: germline.

NM_000404.4(GLB1):c.2016A>G (p.Ser672=)

Gene: GLB1 (galactosidase beta 1; minus strand). Cytogenetic location: 3p22.3.
Variant type: single nucleotide variant.
Coding change: c.2016A>G on transcript NM_000404.4 (MANE Select); coding-DNA position 2016, A replaced by G.
Protein change: p.Ser672=; no amino-acid change (serine 672 retained).
Molecular consequence: synonymous variant. On other transcripts: intron variant (1).
Genome position (GRCh38, 1-based): chr3:32,997,063, T>C on the plus strand (A>G on the coding strand, the complement: GLB1 is on the minus strand). VCF-style: chr3-32997063-T-C. GRCh37 (hg19) VCF-style: chr3-33038555-T-C.
Other names: c.1926A>G, p.Ser642= (NM_001079811.3); c.1623A>G, p.Ser541= (NM_001135602.3); c.2160A>G, p.Ser720= (NM_001317040.2); c.1734+16993A>G (NM_001393580.1); c.2016A>G (NM_000404.3).
Identifiers: ClinVar variation 733159 (VCV000733159.42), dbSNP rs756403702, ClinGen allele CA2299254.